The following is an entry in ClinVar:

ClinVar aggregate classification (germline): Conflicting classifications of pathogenicity. Review status: criteria provided, conflicting classifications (1 of 4 stars). 3 submissions from 3 submitters: Uncertain significance (1); Likely benign (2). Last evaluated 2025-12-23.

Conditions:
PDE6A-related disorder. Also called: PDE6A-related condition.

Allele frequency attached by ClinVar (database versions not stated): ESP Exome Variant Server 0.00008; TOPMed 0.00008; 1000 Genomes Project 0.00040; 1000 Genomes Project 30x 0.00047; ExAC 0.00006; gnomAD exomes 0.00006.
gnomAD v4.1: 36 of 1,598,408 alleles (0.0023%); highest among the groups gnomAD compares: South Asian, 0.017%; no homozygotes.

Submissions (3):

PreventionGenetics, part of Exact Sciences
Classification: Likely benign for PDE6A-related condition. Last evaluated: 2025-12-23. Review status: criteria provided, single submitter. Criteria: ACMG Guidelines, 2015. Collection method: clinical testing. Allele origin: germline.
Comment: This variant is classified as likely benign based on ACMG/AMP sequence variant interpretation guidelines (Richards et al. 2015 PMID: 25741868, with internal and published modifications).

Labcorp Genetics (formerly Invitae), Labcorp
Classification: Likely benign. Last evaluated: 2025-09-21. Review status: criteria provided, single submitter. Criteria: Invitae Variant Classification Sherloc (09022015). Collection method: clinical testing. Allele origin: germline.

Blueprint Genetics
Classification: Uncertain significance. Last evaluated: 2024-10-25. Review status: criteria provided, single submitter. Criteria: ACMG Guidelines, 2015. Collection method: clinical testing. Allele origin: germline.

NM_000440.3(PDE6A):c.1728+7C>T

Gene: PDE6A (phosphodiesterase 6A; minus strand). Cytogenetic location: 5q32.
Variant type: single nucleotide variant.
Coding change: c.1728+7C>T on transcript NM_000440.3 (MANE Select); 7 bases into the intron after coding-DNA position 1728, C replaced by T.
Molecular consequence: intron variant.
Genome position (GRCh38, 1-based): chr5:149,895,176, G>A on the plus strand (C>T on the coding strand, the complement: PDE6A is on the minus strand). VCF-style: chr5-149895176-G-A. GRCh37 (hg19) VCF-style: chr5-149274739-G-A.
Other names: c.1728+7C>T (NM_000440.2).
Identifiers: ClinVar variation 1022909 (VCV001022909.11), dbSNP rs200781025, ClinGen allele CA3504573.